The following is an entry in ClinVar:

NM_015978.3(TNNI3K):c.815C>G (p.Thr272Ser)

Genes: TNNI3K (TNNI3 interacting kinase; plus strand), FPGT-TNNI3K (FPGT-TNNI3K readthrough; plus strand). Cytogenetic location: 1p31.1.
Variant type: single nucleotide variant.
Coding change: c.815C>G on transcript NM_015978.3 (MANE Select); coding-DNA position 815, C replaced by G.
Protein change: p.Thr272Ser; replaces threonine 272 with serine.
Molecular consequence: missense variant.
Genome position (GRCh38, 1-based): chr1:74,342,974, C>G. VCF-style: chr1-74342974-C-G. GRCh37 (hg19) VCF-style: chr1-74808658-C-G.
Other names: c.1118C>G, p.Thr373Ser (NM_001112808.3, NM_001199327.2); short protein forms T373S, T272S.
Identifiers: ClinVar variation 4781096 (VCV004781096.1).

ClinVar aggregate classification (germline): Uncertain significance (1 of 4 stars; one submission).

gnomAD v4.1: 1 of 1,613,822 alleles (0.000062%); highest among the groups gnomAD compares: Non-Finnish European, 0.000085%; no homozygotes.

Submission:

Labcorp Genetics (formerly Invitae), Labcorp
Classification: Uncertain significance. Last evaluated: 2026-01-21. Review status: criteria provided, single submitter. Criteria: Invitae Variant Classification Sherloc (09022015). Collection method: clinical testing. Allele origin: germline.
Comment: This sequence change replaces threonine, which is neutral and polar, with serine, which is neutral and polar, at codon 272 of the TNNI3K protein (p.Thr272Ser). This variant is not present in population databases (gnomAD no frequency). This variant has not been reported in the literature in individuals affected with TNNI3K-related conditions. Invitae Evidence Modeling of protein sequence and biophysical properties (such as structural, functional, and spatial information, amino acid conservation, physicochemical variation, residue mobility, and thermodynamic stability) indicates that this missense variant is not expected to disrupt TNNI3K protein function with a negative predictive value of 80%. In summary, the available evidence is currently insufficient to determine the role of this variant in disease. Therefore, it has been classified as a Variant of Uncertain Significance.